The following is an entry in ClinVar:

ClinVar aggregate classification (germline): Pathogenic. Review status: criteria provided, multiple submitters, no conflicts (2 of 4 stars). 4 submissions from 4 submitters: Pathogenic (3). 1 of the submissions does not count toward it. Last evaluated 2025-03-18.

Conditions:
Tumoral calcinosis, hyperphosphatemic, familial, 1. Also called: LIPOCALCINOGRANULOMATOSIS; MORBUS TEUTSCHLAENDER; CORTICAL HYPEROSTOSIS WITH HYPERPHOSPHATEMIA; CALCINOSIS, TUMORAL, WITH HYPERPHOSPHATEMIA; HYPEROSTOSIS WITH HYPERPHOSPHATEMIA; HYPEROSTOSIS-HYPERPHOSPHATEMIA SYNDROME. Identifiers: Orphanet 53715, MedGen C4692564, MONDO:0100252, OMIM 211900.

Allele frequency attached by ClinVar (database versions not stated): gnomAD 0.00013; TOPMed 0.00010.
gnomAD v4.1: 19 of 1,613,006 alleles (0.0012%); highest among the groups gnomAD compares: African/African-American, 0.024%; no homozygotes.

Submissions (4):

Labcorp Genetics (formerly Invitae), Labcorp
Classification: Pathogenic. Last evaluated: 2025-03-18. Review status: criteria provided, single submitter. Criteria: Invitae Variant Classification Sherloc (09022015). Collection method: clinical testing. Allele origin: germline.
Comment: This sequence change affects an acceptor splice site in intron 2 of the GALNT3 gene. It is expected to disrupt RNA splicing. Variants that disrupt the donor or acceptor splice site typically lead to a loss of protein function (PMID: 16199547), and loss-of-function variants in GALNT3 are known to be pathogenic (PMID: 15133511, 20358599). This variant is present in population databases (no rsID available, gnomAD 0.04%). Disruption of this splice site has been observed in individual(s) with tumoral calcinosis (PMID: 15687324, 27164190). In at least one individual the data is consistent with being in trans (on the opposite chromosome) from a pathogenic variant. This variant is also known as IVS1-2a>t. ClinVar contains an entry for this variant (Variation ID: 7794). Algorithms developed to predict the effect of sequence changes on RNA splicing suggest that this variant may disrupt the consensus splice site. For these reasons, this variant has been classified as Pathogenic.

GeneDx
Classification: Pathogenic. Last evaluated: 2024-03-22. Review status: criteria provided, single submitter. Criteria: GeneDx Variant Classification Process June 2021. Collection method: clinical testing. Allele origin: germline. Affected: yes.
Comment: Canonical splice site that results in a null allele in a gene for which loss of function is a known mechanism of disease (PMID: 18618993); This variant is associated with the following publications: (PMID: 25525159, 18618993, 27164190, 29625052, 15687324)

Fulgent Genetics
Classification: Pathogenic for Tumoral calcinosis, hyperphosphatemic, familial, 1. Last evaluated: 2022-04-25. Review status: criteria provided, single submitter. Criteria: ACMG Guidelines, 2015. Collection method: clinical testing. Allele origin: unknown.

OMIM
Classification: Pathogenic for TUMORAL CALCINOSIS, HYPERPHOSPHATEMIC, FAMILIAL, 1. Last evaluated: 2008-01-01. Review status: no assertion criteria provided. Collection method: literature only. Allele origin: germline. Not counted in ClinVar's aggregate classification.

Literature cited by the submitters: PubMed 16199547 (cited by Labcorp Genetics (formerly Invitae), Labcorp); PubMed 15133511 (cited by Labcorp Genetics (formerly Invitae), Labcorp); PubMed 20358599 (cited by Labcorp Genetics (formerly Invitae), Labcorp); PubMed 15687324 (cited by Labcorp Genetics (formerly Invitae), Labcorp and OMIM); PubMed 27164190 (cited by Labcorp Genetics (formerly Invitae), Labcorp); PubMed 13774168 (cited by OMIM); PubMed 3998061 (cited by OMIM); PubMed 18618993 (cited by OMIM).

NM_004482.4(GALNT3):c.516-2A>T

Gene: GALNT3 (polypeptide N-acetylgalactosaminyltransferase 3; minus strand). Cytogenetic location: 2q24.3.
Variant type: single nucleotide variant.
Coding change: c.516-2A>T on transcript NM_004482.4 (MANE Select); the canonical splice acceptor site of the intron before coding-DNA position 516, A replaced by T.
Molecular consequence: splice acceptor variant.
Genome position (GRCh38, 1-based): chr2:165,765,058, T>A on the plus strand (A>T on the coding strand, the complement: GALNT3 is on the minus strand). VCF-style: chr2-165765058-T-A. GRCh37 (hg19) VCF-style: chr2-166621568-T-A.
Other names: IVS1AS, A-T, -2.
Identifiers: ClinVar variation 7794 (VCV000007794.9), dbSNP rs761396172, ClinGen allele CA212880.